The following is an entry in ClinVar:

ClinVar aggregate classification (germline): Uncertain significance (1 of 4 stars; one submission).

Submission:

Labcorp Genetics (formerly Invitae), Labcorp
Classification: Uncertain significance. Last evaluated: 2024-07-28. Review status: criteria provided, single submitter. Criteria: Invitae Variant Classification Sherloc (09022015). Collection method: clinical testing. Allele origin: germline.
Comment: This sequence change replaces alanine, which is neutral and non-polar, with threonine, which is neutral and polar, at codon 1555 of the NYNRIN protein (p.Ala1555Thr). This variant is present in population databases (rs751661409, gnomAD 0.02%). This variant has not been reported in the literature in individuals affected with NYNRIN-related conditions. Experimental studies and prediction algorithms are not available or were not evaluated, and the functional significance of this variant is currently unknown. In summary, the available evidence is currently insufficient to determine the role of this variant in disease. Therefore, it has been classified as a Variant of Uncertain Significance.

NM_025081.3(NYNRIN):c.4663G>A (p.Ala1555Thr)

Gene: NYNRIN (NYN domain and retroviral integrase containing; plus strand). Cytogenetic location: 14q12.
Variant type: single nucleotide variant.
Coding change: c.4663G>A on transcript NM_025081.3 (MANE Select); coding-DNA position 4663, G replaced by A.
Protein change: p.Ala1555Thr; replaces alanine 1555 with threonine.
Molecular consequence: missense variant.
Genome position (GRCh38, 1-based): chr14:24,416,412, G>A. VCF-style: chr14-24416412-G-A. GRCh37 (hg19) VCF-style: chr14-24885618-G-A.
Other names: short protein forms A1555T.
Identifiers: ClinVar variation 3631512 (VCV003631512.2).